The following is an entry in ClinVar:

ClinVar aggregate classification (germline): Likely benign. Review status: criteria provided, single submitter (1 of 4 stars). 2 submissions from 2 submitters: Likely benign (1). 1 of the submissions does not count toward it. Last evaluated 2025-07-30.

Conditions:
IFT52-related disorder. Also called: IFT52-related condition.

Allele frequency attached by ClinVar (database versions not stated): 1000 Genomes Project 30x 0.00016; 1000 Genomes Project 0.00020; TOPMed 0.00022; ESP Exome Variant Server 0.00046; gnomAD exomes 0.00065 and 0.00096; gnomAD 0.00066; ExAC 0.00113.
gnomAD v4.1: 1,047 of 1,614,064 alleles (0.065%); highest among the groups gnomAD compares: South Asian, 0.14%; 5 homozygotes.

Submissions (2):

Labcorp Genetics (formerly Invitae), Labcorp
Classification: Likely benign. Last evaluated: 2025-07-30. Review status: criteria provided, single submitter. Criteria: Invitae Variant Classification Sherloc (09022015). Collection method: clinical testing. Allele origin: germline.

PreventionGenetics, part of Exact Sciences
Classification: Likely benign for IFT52-related condition. Last evaluated: 2019-06-05. Review status: no assertion criteria provided. Collection method: clinical testing. Allele origin: germline. Not counted in ClinVar's aggregate classification.
Comment: This variant is classified as likely benign based on ACMG/AMP sequence variant interpretation guidelines (Richards et al. 2015 PMID: 25741868, with internal and published modifications).

NM_016004.5(IFT52):c.844G>A (p.Glu282Lys)

Gene: IFT52 (intraflagellar transport 52; plus strand). Cytogenetic location: 20q13.12.
Variant type: single nucleotide variant.
Coding change: c.844G>A on transcript NM_016004.5 (MANE Select); coding-DNA position 844, G replaced by A.
Protein change: p.Glu282Lys; replaces glutamic acid 282 with lysine.
Molecular consequence: missense variant.
Genome position (GRCh38, 1-based): chr20:43,623,966, G>A. VCF-style: chr20-43623966-G-A. GRCh37 (hg19) VCF-style: chr20-42252606-G-A.
Other names: c.844G>A, p.Glu282Lys (NM_001303458.3, NM_001303459.3); c.316G>A, p.Glu106Lys (NM_001323578.2, NM_001323580.2); c.193G>A, p.Glu65Lys (NM_001323579.2, NM_001323581.2); short protein forms E282K, E106K, E65K.
Identifiers: ClinVar variation 759880 (VCV000759880.12), dbSNP rs148727335, ClinGen allele CA9867020.